The following is an entry in ClinVar:

ClinVar aggregate classification (germline): Pathogenic (1 of 4 stars; one submission).

Submission:

Labcorp Genetics (formerly Invitae), Labcorp
Classification: Pathogenic. Last evaluated: 2025-12-21. Review status: criteria provided, single submitter. Criteria: Invitae Variant Classification Sherloc (09022015). Collection method: clinical testing. Allele origin: germline.
Comment: This sequence change creates a premature translational stop signal (p.Glu857Serfs*91) in the ADAMTSL4 gene. It is expected to result in an absent or disrupted protein product. Loss-of-function variants in ADAMTSL4 are known to be pathogenic (PMID: 20564469, 28642162). This variant is present in population databases (rs781144356, gnomAD 0.003%). This variant has not been reported in the literature in individuals affected with ADAMTSL4-related conditions. ClinVar contains an entry for this variant (Variation ID: 1931988). For these reasons, this variant has been classified as Pathogenic.

Literature cited by the submitters: PubMed 20564469; PubMed 28642162.

NM_019032.6(ADAMTSL4):c.2568del (p.Glu857fs)

Gene: ADAMTSL4 (ADAMTS like 4; plus strand). Cytogenetic location: 1q21.2.
Variant type: Deletion.
Coding change: c.2568del on transcript NM_019032.6 (MANE Select); coding-DNA position 2568, one base deleted (C; older notation c.2568delC).
Protein change: p.Glu857fs; shifts the reading frame from glutamic acid 857.
Molecular consequence: frameshift variant.
Genome position (GRCh38, 1-based): chr1:150,558,970, C deleted; the last of 2 consecutive C bases (chr1:150,558,969-150,558,970); deleting either gives the same sequence. VCF-style (leftmost placement, unchanged base first): chr1-150558968-GC-G. GRCh37 (hg19) VCF-style: chr1-150531444-GC-G.
Other names: c.2451del, p.Glu818fs (NM_001288607.2); c.2637del, p.Glu880fs (NM_001288608.2); c.2568del, p.Glu857fs (NM_001378596.1); short protein forms E818fs, E880fs, E857fs.
Identifiers: ClinVar variation 1931988 (VCV001931988.5), dbSNP rs781144356, ClinGen allele CA1078770.